The following is an entry in ClinVar:

NM_005422.4(TECTA):c.2863G>T (p.Asp955Tyr)

Genes: TBCEL-TECTA (TBCEL-TECTA readthrough; plus strand), TECTA (tectorin alpha; plus strand), LOC126861365 (P300/CBP strongly-dependent group 1 enhancer GRCh37_chr11:121000154-121001353; plus strand). Cytogenetic location: 11q23.3.
Variant type: single nucleotide variant.
Coding change: c.2863G>T on transcript NM_005422.4 (MANE Select); coding-DNA position 2863, G replaced by T.
Protein change: p.Asp955Tyr; replaces aspartic acid 955 with tyrosine.
Molecular consequence: missense variant.
Genome position (GRCh38, 1-based): chr11:121,130,133, G>T. VCF-style: chr11-121130133-G-T. GRCh37 (hg19) VCF-style: chr11-121000842-G-T.
Other names: c.3820G>T, p.Asp1274Tyr (NM_001378761.1); short protein forms D955Y, D1274Y.
Identifiers: ClinVar variation 3678948 (VCV003678948.2).

ClinVar aggregate classification (germline): Uncertain significance (1 of 4 stars; one submission).

Submission:

Labcorp Genetics (formerly Invitae), Labcorp
Classification: Uncertain significance. Last evaluated: 2024-03-15. Review status: criteria provided, single submitter. Criteria: Invitae Variant Classification Sherloc (09022015). Collection method: clinical testing. Allele origin: germline.
Comment: This sequence change replaces aspartic acid, which is acidic and polar, with tyrosine, which is neutral and polar, at codon 955 of the TECTA protein (p.Asp955Tyr). This variant is not present in population databases (gnomAD no frequency). This variant has not been reported in the literature in individuals affected with TECTA-related conditions. Advanced modeling of protein sequence and biophysical properties (such as structural, functional, and spatial information, amino acid conservation, physicochemical variation, residue mobility, and thermodynamic stability) performed at Invitae indicates that this missense variant is not expected to disrupt TECTA protein function with a negative predictive value of 95%. In summary, the available evidence is currently insufficient to determine the role of this variant in disease. Therefore, it has been classified as a Variant of Uncertain Significance.